The following is an entry in ClinVar:

NM_001035.3(RYR2):c.2397-12C>T

Gene: RYR2 (ryanodine receptor 2; plus strand). Cytogenetic location: 1q43.
Variant type: single nucleotide variant.
Coding change: c.2397-12C>T on transcript NM_001035.3 (MANE Select); 12 bases into the intron before coding-DNA position 2397, C replaced by T.
Molecular consequence: intron variant.
Genome position (GRCh38, 1-based): chr1:237,503,277, C>T. VCF-style: chr1-237503277-C-T. GRCh37 (hg19) VCF-style: chr1-237666577-C-T.
Identifiers: ClinVar variation 923353 (VCV000923353.7), dbSNP rs754549931, ClinGen allele CA086035.

ClinVar aggregate classification (germline): Likely benign. Review status: criteria provided, multiple submitters, no conflicts (2 of 4 stars). 4 submissions from 4 submitters: Likely benign (4). Last evaluated 2025-02-27.

Conditions:
Cardiomyopathy (CMYO). Also called: Cardiomyopathies. Identifiers: Orphanet 167848, MedGen C0878544, MONDO:0004994, HP:0001638. Inheritance: Various modes of inheritance.
Catecholaminergic polymorphic ventricular tachycardia 1. Also called: RYR2-Related Catecholaminergic Polymorphic Ventricular Tachycardia; VENTRICULAR TACHYCARDIA, STRESS-INDUCED POLYMORPHIC 1; VENTRICULAR TACHYCARDIA, CATECHOLAMINERGIC POLYMORPHIC, 1, WITH OR WITHOUT ATRIAL DYSFUNCTION AND/OR DILATED CARDIOMYOPATHY. Identifiers: Orphanet 3286, MedGen C1631597, MONDO:0011484, OMIM 604772.
Catecholaminergic polymorphic ventricular tachycardia (CVPT). Also called: Catecholamine-induced polymorphic ventricular tachycardia. Identifiers: Orphanet 3286, MedGen C5574922, MONDO:0017990.

Allele frequency attached by ClinVar (database versions not stated): TOPMed 0.00001; gnomAD exomes 0.00002 and 0.00007; ExAC 0.00005.
gnomAD v4.1: 97 of 1,586,228 alleles (0.0061%); highest among the groups gnomAD compares: Non-Finnish European, 0.0082%; no homozygotes.

Submissions (4):

Labcorp Genetics (formerly Invitae), Labcorp
Classification: Likely benign for Catecholaminergic polymorphic ventricular tachycardia 1. Last evaluated: 2025-02-27. Review status: criteria provided, single submitter. Criteria: Invitae Variant Classification Sherloc (09022015). Collection method: clinical testing. Allele origin: germline.

All of Us Research Program, National Institutes of Health
Classification: Likely benign for Catecholaminergic polymorphic ventricular tachycardia. Last evaluated: 2023-10-02. Review status: criteria provided, single submitter. Criteria: ACMG Guidelines, 2015. Collection method: clinical testing. Allele origin: germline. Inheritance: Autosomal dominant inheritance. Observed: 2 variant alleles, 2 heterozygotes.
Comment: This study involves interpretation of variants in research participants for the purpose of population health screening. Participant phenotype was not available at the time of variant classification. Additional details can be found in publication PMID: 35346344, PMCID: PMC8962531

Blueprint Genetics
Classification: Likely benign. Last evaluated: 2023-01-18. Review status: criteria provided, single submitter. Criteria: ACMG Guidelines, 2015. Collection method: clinical testing. Allele origin: germline.

Color Diagnostics, LLC DBA Color Health
Classification: Likely benign for Cardiomyopathy. Last evaluated: 2020-03-10. Review status: criteria provided, single submitter. Criteria: ACMG Guidelines, 2015. Collection method: clinical testing. Allele origin: germline.